The following is an entry in ClinVar:

NM_005334.3(HCFC1):c.4445G>A (p.Arg1482Gln)

Genes: HCFC1 (host cell factor C1; minus strand), LOC130068842 (ATAC-STARR-seq lymphoblastoid active region 30044; plus strand). Cytogenetic location: Xq28.
Variant type: single nucleotide variant.
Coding change: c.4445G>A on transcript NM_005334.3 (MANE Select); coding-DNA position 4445, G replaced by A.
Protein change: p.Arg1482Gln; replaces arginine 1482 with glutamine.
Molecular consequence: missense variant.
Genome position (GRCh38, 1-based): chrX:153,953,659, C>T on the plus strand (G>A on the coding strand, the complement: HCFC1 is on the minus strand). VCF-style: chrX-153953659-C-T. GRCh37 (hg19) VCF-style: chrX-153219110-C-T.
Other names: c.4445G>A, p.Arg1482Gln (NM_001410705.1); short protein forms R1482Q.
Identifiers: ClinVar variation 2429583 (VCV002429583.1), dbSNP rs2521519396, ClinGen allele CA415114788.

ClinVar aggregate classification (germline): Uncertain significance (1 of 4 stars; one submission).

Allele frequency attached by ClinVar (database versions not stated): gnomAD exomes below 0.00001.

Submission:

GeneDx
Classification: Uncertain significance. Last evaluated: 2022-08-09. Review status: criteria provided, single submitter. Criteria: GeneDx Variant Classification Process June 2021. Collection method: clinical testing. Allele origin: germline. Affected: yes.
Comment: Not observed at significant frequency in large population cohorts (gnomAD); In silico analysis supports that this missense variant does not alter protein structure/function; Has not been previously published as pathogenic or benign to our knowledge